The following is an entry in ClinVar:

ClinVar aggregate classification (germline): Uncertain significance (1 of 4 stars; one submission).

Conditions:
Familial adenomatous polyposis 2. Also called: MYH-associated polyposis; FAP type 2; COLORECTAL ADENOMATOUS POLYPOSIS, AUTOSOMAL RECESSIVE; ADENOMAS, MULTIPLE COLORECTAL, AUTOSOMAL RECESSIVE; MUTYH-related attenuated familial adenomatous polyposis; MUTYH Polyposis. Identifiers: Orphanet 220460, Orphanet 247798, MedGen C3272841, MONDO:0012041, OMIM 608456.

Submission:

Labcorp Genetics (formerly Invitae), Labcorp
Classification: Uncertain significance for Familial adenomatous polyposis 2. Last evaluated: 2018-06-06. Review status: criteria provided, single submitter. Criteria: Invitae Variant Classification Sherloc (09022015). Collection method: clinical testing. Allele origin: germline.
Comment: This variant is not present in population databases (ExAC no frequency). This sequence change replaces alanine with serine at codon 55 of the MUTYH protein (p.Ala55Ser). The alanine residue is weakly conserved and there is a moderate physicochemical difference between alanine and serine. This variant has not been reported in the literature in individuals with MUTYH-related disease. Algorithms developed to predict the effect of missense changes on protein structure and function are either unavailable or do not agree on the potential impact of this missense change (SIFT: "Deleterious"; PolyPhen-2: "Benign"; Align-GVGD: "Class C0"). In summary, the available evidence is currently insufficient to determine the role of this variant in disease. Therefore, it has been classified as a Variant of Uncertain Significance.

NM_001128425.2(MUTYH):c.163G>T (p.Ala55Ser)

Gene: MUTYH (mutY DNA glycosylase; minus strand). Cytogenetic location: 1p34.1.
Variant type: single nucleotide variant.
Coding change: c.163G>T on transcript NM_001128425.2 (MANE Plus Clinical); coding-DNA position 163, G replaced by T.
Protein change: p.Ala55Ser; replaces alanine 55 with serine.
Molecular consequence: missense variant. On other transcripts: intron variant (12).
Genome position (GRCh38, 1-based): chr1:45,333,598, C>A on the plus strand (G>T on the coding strand, the complement: MUTYH is on the minus strand). VCF-style: chr1-45333598-C-A. GRCh37 (hg19) VCF-style: chr1-45799270-C-A.
Other names: c.-92-101G>T (NM_001350651.2); c.-97-101G>T (NM_001293192.2, NM_001293196.2); c.-156-37G>T (NM_001350650.2); c.116-37G>T (NM_001048171.2, NM_001048173.2, NM_001048174.2 and 1 more transcripts); c.158-34G>T (NM_001293190.2); c.158-4G>T (NM_012222.3); c.116-34G>T (NM_001048172.2); c.116-4G>T (NM_001293191.2); short protein forms A55S.
Identifiers: ClinVar variation 582904 (VCV000582904.8), dbSNP rs1557487984, ClinGen allele CA340136847.